The following is an entry in ClinVar:

ClinVar aggregate classification (germline): Likely benign (1 of 4 stars; one submission).

Allele frequency attached by ClinVar (database versions not stated): ExAC 0.00016; gnomAD exomes 0.00032; ESP Exome Variant Server 0.00046.
gnomAD v4.1: 502 of 1,613,892 alleles (0.031%); highest among the groups gnomAD compares: Non-Finnish European, 0.04%; no homozygotes.

Submission:

CeGaT Center for Human Genetics Tuebingen
Classification: Likely benign. Last evaluated: 2022-09-01. Review status: criteria provided, single submitter. Criteria: CeGaT Center For Human Genetics Tuebingen Variant Classification Criteria Version 2. Collection method: clinical testing. Allele origin: germline. Affected: yes. Observed: 1 variant allele.
Comment: HID1: BP4, BP7

NM_030630.3(HID1):c.870C>A (p.Val290=)

Gene: HID1 (HID1 domain containing; minus strand). Cytogenetic location: 17q25.1.
Variant type: single nucleotide variant.
Coding change: c.870C>A on transcript NM_030630.3 (MANE Select); coding-DNA position 870, C replaced by A.
Protein change: p.Val290=; no amino-acid change (valine 290 retained).
Molecular consequence: synonymous variant.
Genome position (GRCh38, 1-based): chr17:74,960,107, G>T on the plus strand (C>A on the coding strand, the complement: HID1 is on the minus strand). VCF-style: chr17-74960107-G-T. GRCh37 (hg19) VCF-style: chr17-72956202-G-T.
Identifiers: ClinVar variation 2648249 (VCV002648249.24), dbSNP rs139963690, ClinGen allele CA8755854.